The following is an entry in ClinVar:

ClinVar aggregate classification (germline): Uncertain significance. Review status: criteria provided, multiple submitters, no conflicts (2 of 4 stars). 2 submissions from 2 submitters: Uncertain significance (2). Last evaluated 2026-01-09.

Submissions (2):

Women's Health and Genetics/Laboratory Corporation of America, LabCorp
Classification: Uncertain significance. Last evaluated: 2026-01-09. Review status: criteria provided, single submitter. Criteria: LabCorp Variant Classification Summary - May 2015. Collection method: clinical testing. Allele origin: germline.
Comment: Variant summary: BCKDHB c.249C>A (p.Asn83Lys) results in a non-conservative amino acid change in the encoded protein sequence. Algorithms developed to predict the effect of missense changes on protein structure and function are either unavailable or do not agree on the potential impact of this missense change. The variant was absent in 251120 control chromosomes. The available data on variant occurrences in the general population are insufficient to allow any conclusion about variant significance. c.249C>A has been observed in at-least one compound heterozygous individual affected with Maple Syrup Urine Disease, however, this case also had a second variant c.212T>G in cis with c.249C>A (example: Kingsmore_2019). These report(s) do not provide unequivocal conclusions about association of the variant with Maple Syrup Urine Disease. To our knowledge, no experimental evidence demonstrating an impact on protein function has been reported. The following publication has been ascertained in the context of this evaluation (PMID: 31564432). ClinVar contains an entry for this variant (Variation ID: 1693923). Based on the evidence outlined above, the variant was classified as uncertain significance.

Mayo Clinic Laboratories, Mayo Clinic
Classification: Uncertain significance. Last evaluated: 2021-07-14. Review status: criteria provided, single submitter. Criteria: ACMG Guidelines, 2015. Collection method: clinical testing. Allele origin: germline.

Literature cited by the submitters: PubMed 31564432 (cited by Women's Health and Genetics/Laboratory Corporation of America, LabCorp).

NM_183050.4(BCKDHB):c.249C>A (p.Asn83Lys)

Gene: BCKDHB (branched chain keto acid dehydrogenase E1 subunit beta; plus strand). Cytogenetic location: 6q14.1.
Variant type: single nucleotide variant.
Coding change: c.249C>A on transcript NM_183050.4 (MANE Select); coding-DNA position 249, C replaced by A.
Protein change: p.Asn83Lys; replaces asparagine 83 with lysine.
Molecular consequence: missense variant. On other transcripts: non-coding transcript variant (1).
Genome position (GRCh38, 1-based): chr6:80,127,599, C>A. VCF-style: chr6-80127599-C-A. GRCh37 (hg19) VCF-style: chr6-80837316-C-A.
Other names: p.Asn83Lys; c.249C>A, p.Asn83Lys (NM_000056.5); c.39C>A, p.Asn13Lys (NM_001318975.1); short protein forms N13K, N83K.
Identifiers: ClinVar variation 1693923 (VCV001693923.5), dbSNP rs2127726161, ClinGen allele CA364659066.